The following is an entry in ClinVar:

ClinVar aggregate classification (germline): Uncertain significance (1 of 4 stars; one submission).

Submission:

Labcorp Genetics (formerly Invitae), Labcorp
Classification: Uncertain significance. Last evaluated: 2021-05-17. Review status: criteria provided, single submitter. Criteria: Invitae Variant Classification Sherloc (09022015). Collection method: clinical testing. Allele origin: germline.
Comment: In summary, the available evidence is currently insufficient to determine the role of this variant in disease. Therefore, it has been classified as a Variant of Uncertain Significance. Algorithms developed to predict the effect of missense changes on protein structure and function (SIFT, PolyPhen-2, Align-GVGD) all suggest that this variant is likely to be tolerated, but these predictions have not been confirmed by published functional studies and their clinical significance is uncertain. This variant has not been reported in the literature in individuals with CACNA1F-related conditions. This variant is not present in population databases (ExAC no frequency). This sequence change replaces glycine with alanine at codon 23 of the CACNA1F protein (p.Gly23Ala). The glycine residue is moderately conserved and there is a small physicochemical difference between glycine and alanine.

NM_001256789.3(CACNA1F):c.68G>C (p.Gly23Ala)

Gene: CACNA1F (calcium voltage-gated channel subunit alpha1 F; minus strand). Cytogenetic location: Xp11.23.
Variant type: single nucleotide variant.
Coding change: c.68G>C on transcript NM_001256789.3 (MANE Select); coding-DNA position 68, G replaced by C.
Protein change: p.Gly23Ala; replaces glycine 23 with alanine.
Molecular consequence: missense variant. On other transcripts: intron variant (1).
Genome position (GRCh38, 1-based): chrX:49,231,885, C>G on the plus strand (G>C on the coding strand, the complement: CACNA1F is on the minus strand). VCF-style: chrX-49231885-C-G. GRCh37 (hg19) VCF-style: chrX-49088347-C-G.
Other names: c.68G>C, p.Gly23Ala (NM_005183.4); c.66-193G>C (NM_001256790.3); short protein forms G23A.
Identifiers: ClinVar variation 1523077 (VCV001523077.8), dbSNP rs1557111475, ClinGen allele CA412928526.